The following is an entry in ClinVar:

NM_001029883.3(PCARE):c.3187_3188del (p.Ser1063fs)

Gene: PCARE (photoreceptor cilium actin regulator; minus strand). Cytogenetic location: 2p23.2.
Variant type: Microsatellite.
Coding change: c.3187_3188del on transcript NM_001029883.3 (MANE Select); coding-DNA positions 3187 to 3188, 2 bases deleted (AG; older notation c.3187_3188delAG).
Protein change: p.Ser1063fs; shifts the reading frame from serine 1063.
Molecular consequence: frameshift variant.
Genome position (GRCh38, 1-based): chr2:29,071,074-29,071,075, CT deleted on the plus strand (AG on the coding strand, the reverse complement: PCARE is on the minus strand); deleting any 2 consecutive bases within chr2:29,071,074-29,071,078 gives the same sequence; the c. name uses the placement nearest the transcript's 3' end. VCF-style (leftmost placement, unchanged base first): chr2-29071073-ACT-A. GRCh37 (hg19) VCF-style: chr2-29293939-ACT-A.
Other names: short protein forms S1063fs.
Identifiers: ClinVar variation 1961062 (VCV001961062.6), dbSNP rs1230741949, ClinGen allele CA767528775.

ClinVar aggregate classification (germline): Pathogenic. Review status: criteria provided, multiple submitters, no conflicts (2 of 4 stars). 2 submissions from 2 submitters: Pathogenic (2). Last evaluated 2025-11-21.

Conditions:
Retinitis pigmentosa 54 (RP54). Identifiers: Orphanet 791, MedGen C3150691, MONDO:0013263, OMIM 613428.

Submissions (2):

3billion
Classification: Pathogenic for Retinitis pigmentosa 54. Last evaluated: 2025-11-21. Review status: criteria provided, single submitter. Criteria: ACMG Guidelines, 2015. Collection method: clinical testing. Allele origin: germline. Affected: yes.
Comment: The variant is observed at an extremely low frequency in the gnomAD v4.1.0 dataset (total allele frequency: <0.001%). Predicted Consequence/Location: Frameshift: predicted to result in a loss or disruption of normal protein function through nonsense-mediated decay (NMD) or protein truncation. Multiple pathogenic variants are reported downstream of the variant. The variant has been reported to be associated with PCARE-related disorder (ClinVar ID: VCV001961062 /PMID: 39761966). Therefore, this variant is classified as Pathogenic according to the recommendation of ACMG/AMP guideline.

Labcorp Genetics (formerly Invitae), Labcorp
Classification: Pathogenic. Last evaluated: 2022-07-29. Review status: criteria provided, single submitter. Criteria: Invitae Variant Classification Sherloc (09022015). Collection method: clinical testing. Allele origin: germline.
Comment: For these reasons, this variant has been classified as Pathogenic. This variant has not been reported in the literature in individuals affected with PCARE-related conditions. This variant is not present in population databases (gnomAD no frequency). This sequence change creates a premature translational stop signal (p.Ser1063Cysfs*43) in the PCARE gene. It is expected to result in an absent or disrupted protein product. Loss-of-function variants in PCARE are known to be pathogenic (PMID: 20398886, 24339724, 26496393).

Literature cited by the submitters: PubMed 39761966 (cited by 3billion); PubMed 20398886 (cited by Labcorp Genetics (formerly Invitae), Labcorp); PubMed 24339724 (cited by Labcorp Genetics (formerly Invitae), Labcorp); PubMed 26496393 (cited by Labcorp Genetics (formerly Invitae), Labcorp).